The following is an entry in ClinVar:

NM_001134407.3(GRIN2A):c.662A>G (p.Lys221Arg)

Gene: GRIN2A (glutamate ionotropic receptor NMDA type subunit 2A; minus strand). Cytogenetic location: 16p13.2.
Variant type: single nucleotide variant.
Coding change: c.662A>G on transcript NM_001134407.3 (MANE Select); coding-DNA position 662, A replaced by G.
Protein change: p.Lys221Arg; replaces lysine 221 with arginine.
Molecular consequence: missense variant.
Genome position (GRCh38, 1-based): chr16:9,938,304, T>C on the plus strand (A>G on the coding strand, the complement: GRIN2A is on the minus strand). VCF-style: chr16-9938304-T-C. GRCh37 (hg19) VCF-style: chr16-10032161-T-C.
Other names: p.K221R:AAG>AGG; c.662A>G, p.Lys221Arg (NM_000833.5, NM_001134408.2); short protein forms K221R.
Identifiers: ClinVar variation 129199 (VCV000129199.54), dbSNP rs61731464, ClinGen allele CA288902.

ClinVar aggregate classification (germline): Benign/Likely benign. Review status: criteria provided, multiple submitters, no conflicts (2 of 4 stars). 11 submissions from 11 submitters: Benign (5); Likely benign (6). Last evaluated 2026-01-19.

Conditions:
Inborn genetic diseases. Identifiers: MedGen C0950123, MeSH D030342.
Landau-Kleffner syndrome (FESD). Also called: APHASIA, ACQUIRED, WITH EPILEPSY; EPILEPSY, FOCAL, WITH SPEECH DISORDER AND WITH OR WITHOUT MENTAL RETARDATION. Identifiers: Orphanet 1945, Orphanet 725, Orphanet 98818, MedGen C0282512, MONDO:0009509, OMIM 245570.

Allele frequency attached by ClinVar (database versions not stated): gnomAD exomes 0.00024 and 0.00065; ExAC 0.00082; gnomAD 0.00301 and 0.00322; TOPMed 0.00309; ESP Exome Variant Server 0.00346; 1000 Genomes Project 0.00379; 1000 Genomes Project 30x 0.00422.
gnomAD v4.1: 814 of 1,614,048 alleles (0.05%); highest among the groups gnomAD compares: African/African-American, 1%; 3 homozygotes.

Submissions (11):

Labcorp Genetics (formerly Invitae), Labcorp
Classification: Benign for Landau-Kleffner syndrome. Last evaluated: 2026-01-19. Review status: criteria provided, single submitter. Criteria: Invitae Variant Classification Sherloc (09022015). Collection method: clinical testing. Allele origin: germline.

CeGaT Center for Human Genetics Tuebingen
Classification: Likely benign. Last evaluated: 2025-10-01. Review status: criteria provided, single submitter. Criteria: CeGaT Center For Human Genetics Tuebingen Variant Classification Criteria Version 2. Collection method: clinical testing. Allele origin: germline. Affected: yes. Observed: 4 variant alleles.
Comment: GRIN2A: BS1

Athena Diagnostics
Classification: Benign. Last evaluated: 2025-03-03. Review status: criteria provided, single submitter. Criteria: Athena Diagnostics Criteria. Collection method: clinical testing. Allele origin: unknown.
Comment: The frequency of this variant in the general population is higher than would generally be expected for pathogenic variants in this gene.

Blueprint Genetics
Classification: Likely benign. Last evaluated: 2024-09-09. Review status: criteria provided, single submitter. Criteria: ACMG Guidelines, 2015. Collection method: clinical testing. Allele origin: germline.

Fulgent Genetics
Classification: Likely benign for Landau-Kleffner syndrome. Last evaluated: 2021-10-13. Review status: criteria provided, single submitter. Criteria: ACMG Guidelines, 2015. Collection method: clinical testing. Allele origin: unknown.

Ambry Genetics
Classification: Likely benign for Inborn genetic diseases. Last evaluated: 2018-04-26. Review status: criteria provided, single submitter. Criteria: Ambry Variant Classification Scheme 2023. Collection method: clinical testing. Allele origin: germline.

Illumina Laboratory Services, Illumina
Classification: Benign for Landau-Kleffner syndrome. Last evaluated: 2018-01-12. Review status: criteria provided, single submitter. Criteria: ICSL Variant Classification Criteria 13 December 2019. Collection method: clinical testing. Allele origin: germline.
Comment: This variant was observed in the ICSL laboratory as part of a predisposition screen in an ostensibly healthy population. It had not been previously curated by ICSL or reported in the Human Gene Mutation Database (HGMD: prior to June 1st, 2018), and was therefore a candidate for classification through an automated scoring system. Utilizing variant allele frequency, disease prevalence and penetrance estimates, and inheritance mode, an automated score was calculated to assess if this variant is too frequent to cause the disease. Based on the score and internal cut-off values, a variant classified as benign is not then subjected to further curation. The score for this variant resulted in a classification of benign for this disease.

Genetic Services Laboratory, University of Chicago
Classification: Benign. Last evaluated: 2017-11-20. Review status: criteria provided, single submitter. Criteria: ACMG Guidelines, 2015. Collection method: clinical testing. Allele origin: germline. Affected: no.

Eurofins Ntd Llc (ga)
Classification: Likely benign. Last evaluated: 2017-05-02. Review status: criteria provided, single submitter. Criteria: EGL Classification Definitions 2015. Collection method: clinical testing. Allele origin: germline. Observed: 1 variant allele, 1 heterozygote.

GeneDx
Classification: Benign. Last evaluated: 2014-08-29. Review status: criteria provided, single submitter. Criteria: GeneDx Variant Classification (06012015). Collection method: clinical testing. Allele origin: germline. Affected: yes.
Comment: This variant is considered likely benign or benign based on one or more of the following criteria: it is a conservative change, it occurs at a poorly conserved position in the protein, it is predicted to be benign by multiple in silico algorithms, and/or has population frequency not consistent with disease.

Breakthrough Genomics
Classification: Likely benign. Review status: criteria provided, single submitter. Criteria: ACMG Guidelines, 2015. Collection method: not provided. Allele origin: germline. Inheritance: Autosomal dominant inheritance. Affected: yes.